The following is an entry in ClinVar:

ClinVar aggregate classification (germline): Uncertain significance. Review status: criteria provided, multiple submitters, no conflicts (2 of 4 stars). 3 submissions from 3 submitters: Uncertain significance (2). 1 of the submissions does not count toward it. Last evaluated 2022-04-15.

Conditions:
Moyamoya angiopathy. Identifiers: Orphanet 477768, MedGen C5681261.
Epidermolysis bullosa simplex 3, localized or generalized intermediate, with BP230 deficiency (EBS3). Also called: Epidermolysis bullosa simplex, autosomal recessive 2; Epidermolysis bullosa simplex due to BP230 deficiency. Identifiers: Orphanet 412181, MedGen C3809470, MONDO:0014180, OMIM 615425.
Hereditary sensory and autonomic neuropathy type 6. Also called: Neuropathy, hereditary sensory and autonomic, type VI; HSAN VI. Identifiers: Orphanet 314381, MedGen C3539003, MONDO:0013839, OMIM 614653.
Inborn genetic diseases. Identifiers: MedGen C0950123, MeSH D030342.

Allele frequency attached by ClinVar (database versions not stated): gnomAD exomes below 0.00001; ExAC 0.00001; gnomAD 0.00001; TOPMed 0.00001.
gnomAD v4.1: 21 of 1,603,620 alleles (0.0013%); highest among the groups gnomAD compares: Admixed American, 0.0017%; no homozygotes.

Submissions (3):

Labcorp Genetics (formerly Invitae), Labcorp
Classification: Uncertain significance for Epidermolysis bullosa simplex 3, localized or generalized intermediate, with BP230 deficiency; Hereditary sensory and autonomic neuropathy type 6. Last evaluated: 2022-04-15. Review status: criteria provided, single submitter. Criteria: Invitae Variant Classification Sherloc (09022015). Collection method: clinical testing. Allele origin: germline.
Comment: The DST gene has multiple clinically relevant transcripts. This variant occurs in alternate transcript NM_015548.4, and corresponds to NM_001723.5:c.*111420C>T in the primary transcript. This sequence change replaces alanine, which is neutral and non-polar, with valine, which is neutral and non-polar, at codon 3866 of the DST protein (p.Ala3866Val). The frequency data for this variant in the population databases is considered unreliable, as metrics indicate poor data quality at this position in the gnomAD database. This variant has not been reported in the literature in individuals affected with DST-related conditions. Algorithms developed to predict the effect of sequence changes on RNA splicing suggest that this variant may create or strengthen a splice site. In summary, the available evidence is currently insufficient to determine the role of this variant in disease. Therefore, it has been classified as a Variant of Uncertain Significance.

Ambry Genetics
Classification: Uncertain significance for Inborn genetic diseases. Last evaluated: 2019-12-07. Review status: criteria provided, single submitter. Criteria: Ambry Variant Classification Scheme 2023. Collection method: clinical testing. Allele origin: germline.
Comment: The p.A4370V variant (also known as c.13109C>T), located in coding exon 72 of the DST gene, results from a C to T substitution at nucleotide position 13109. The alanine at codon 4370 is replaced by valine, an amino acid with similar properties. This amino acid position is not well conserved in available vertebrate species. In addition, this alteration is predicted to be tolerated by in silico analysis. Since supporting evidence is limited at this time, the clinical significance of this alteration remains unclear.

University of Washington Center for Mendelian Genomics, University of Washington
Classification: Likely pathogenic for Moyamoya angiopathy. Review status: no assertion criteria provided. Collection method: research. Allele origin: de novo. Affected: yes. Not counted in ClinVar's aggregate classification.

Literature cited by the submitters: PubMed 31474762 (cited by University of Washington Center for Mendelian Genomics, University of Washington).

NM_001374736.1(DST):c.19466C>T (p.Ala6489Val)

Gene: DST (dystonin; minus strand). Cytogenetic location: 6p12.1.
Variant type: single nucleotide variant.
Coding change: c.19466C>T on transcript NM_001374736.1 (MANE Select); coding-DNA position 19466, C replaced by T.
Protein change: p.Ala6489Val; replaces alanine 6489 with valine.
Molecular consequence: missense variant.
Genome position (GRCh38, 1-based): chr6:56,504,097, G>A on the plus strand (C>T on the coding strand, the complement: DST is on the minus strand). VCF-style: chr6-56504097-G-A. GRCh37 (hg19) VCF-style: chr6-56368895-G-A.
Other names: c.13109C>T, p.Ala4370Val (NM_001144769.5); c.12695C>T, p.Ala4232Val (NM_001144770.2); c.19466C>T, p.Ala6489Val (NM_001374722.1); c.18506C>T, p.Ala6169Val (NM_001374729.1); c.12248C>T, p.Ala4083Val (NM_001374730.1); c.19493C>T, p.Ala6498Val (NM_001374734.1); c.11597C>T, p.Ala3866Val (NM_015548.5); c.12575C>T, p.Ala4192Val (NM_183380.4); short protein forms A4192V, A4232V, A6498V, A3866V, A4083V, A4370V, A6489V, A6169V.
Identifiers: ClinVar variation 965019 (VCV000965019.13), dbSNP rs766294952, ClinGen allele CA3866972.